The following is an entry in ClinVar:

NM_000135.4(FANCA):c.1985C>T (p.Ala662Val)

Gene: FANCA (FA complementation group A; minus strand). Cytogenetic location: 16q24.3.
Variant type: single nucleotide variant.
Coding change: c.1985C>T on transcript NM_000135.4 (MANE Select); coding-DNA position 1985, C replaced by T.
Protein change: p.Ala662Val; replaces alanine 662 with valine.
Molecular consequence: missense variant.
Genome position (GRCh38, 1-based): chr16:89,773,300, G>A on the plus strand (C>T on the coding strand, the complement: FANCA is on the minus strand). VCF-style: chr16-89773300-G-A. GRCh37 (hg19) VCF-style: chr16-89839708-G-A.
Other names: c.1985C>T, p.Ala662Val (NM_001286167.3); short protein forms A662V.
Identifiers: ClinVar variation 2070424 (VCV002070424.3), dbSNP rs2039387745, ClinGen allele CA397449671.
Genomic context (GRCh38, chr16:89,773,300, plus strand): 5'-AGACACAGCATGAGCTCCCATCCATCCTCACCATCACGCTGGCTGGGGTCTGTCATGGAG[G>A]CTCTCAGCTCTCCCAGTGCAGCTGTGAGCTGTCCCAGGGGCTCCTCAGCAGAGTTGGGTT-3'
Protein context (NP_000126.2, residues 652-672): QLTAALGELR[Ala662Val]SMTDPSQRDV

ClinVar aggregate classification (germline): Uncertain significance (1 of 4 stars; one submission).

Conditions:
Fanconi anemia (FA). Also called: Fanconi's anemia. Identifiers: Orphanet 84, MedGen C0015625, MeSH D005199, MONDO:0019391.

Allele frequency attached by ClinVar (database versions not stated): gnomAD exomes below 0.00001; TOPMed below 0.00001.
gnomAD v4.1: 3 of 1,551,262 alleles (0.00019%); highest among the groups gnomAD compares: Non-Finnish European, 0.00026%; no homozygotes.

Submission:

Labcorp Genetics (formerly Invitae), Labcorp
Classification: Uncertain significance for Fanconi anemia. Last evaluated: 2024-07-10. Review status: criteria provided, single submitter. Criteria: Invitae Variant Classification Sherloc (09022015). Collection method: clinical testing. Allele origin: germline.
Comment: This sequence change replaces alanine, which is neutral and non-polar, with valine, which is neutral and non-polar, at codon 662 of the FANCA protein (p.Ala662Val). This variant is not present in population databases (gnomAD no frequency). This variant has not been reported in the literature in individuals affected with FANCA-related conditions. ClinVar contains an entry for this variant (Variation ID: 2070424). Advanced modeling of protein sequence and biophysical properties (such as structural, functional, and spatial information, amino acid conservation, physicochemical variation, residue mobility, and thermodynamic stability) performed at Invitae indicates that this missense variant is expected to disrupt FANCA protein function with a positive predictive value of 80%. In summary, the available evidence is currently insufficient to determine the role of this variant in disease. Therefore, it has been classified as a Variant of Uncertain Significance.